The following is an entry in ClinVar:

NM_004320.6(ATP2A1):c.2506C>T (p.Arg836Cys)

Gene: ATP2A1 (ATPase sarcoplasmic/endoplasmic reticulum Ca2+ transporting 1; plus strand). Cytogenetic location: 16p11.2.
Variant type: single nucleotide variant.
Coding change: c.2506C>T on transcript NM_004320.6 (MANE Select); coding-DNA position 2506, C replaced by T.
Protein change: p.Arg836Cys; replaces arginine 836 with cysteine.
Molecular consequence: missense variant.
Genome position (GRCh38, 1-based): chr16:28,902,368, C>T. VCF-style: chr16-28902368-C-T. GRCh37 (hg19) VCF-style: chr16-28913689-C-T.
Other names: c.2506C>T (NM_173201.3); c.2131C>T, p.Arg711Cys (NM_001286075.2); c.2506C>T, p.Arg836Cys (NM_173201.5); short protein forms R836C, R711C.
Identifiers: ClinVar variation 2136804 (VCV002136804.7), dbSNP rs754020765, ClinGen allele CA7987273.
Genomic context (GRCh38, chr16:28,902,368, plus strand): 5'-ATCATGGACCGCCCCCCCCGGAGCCCCAAGGAGCCCCTCATCAGTGGCTGGCTCTTCTTC[C>T]GCTACATGGCAATCGGGGGTGAGCTGGAGGGGTTCCTCGATCCTCCCCACCCCTTGGGAC-3'
Protein context (NP_004311.1, residues 826-846): EPLISGWLFF[Arg836Cys]YMAIGGYVGA

ClinVar aggregate classification (germline): Uncertain significance. Review status: criteria provided, multiple submitters, no conflicts (2 of 4 stars). 2 submissions from 2 submitters: Uncertain significance (2). Last evaluated 2022-03-29.

Conditions:
Brody myopathy. Also called: BRODY DISEASE. Identifiers: Orphanet 53347, MedGen C1832918, MONDO:0010977, OMIM 601003.

Allele frequency attached by ClinVar (database versions not stated): ExAC 0.00001; gnomAD exomes 0.00001.

Submissions (2):

Labcorp Genetics (formerly Invitae), Labcorp
Classification: Uncertain significance for Brody myopathy. Last evaluated: 2022-03-29. Review status: criteria provided, single submitter. Criteria: Invitae Variant Classification Sherloc (09022015). Collection method: clinical testing. Allele origin: germline.
Comment: In summary, the available evidence is currently insufficient to determine the role of this variant in disease. Therefore, it has been classified as a Variant of Uncertain Significance. Algorithms developed to predict the effect of missense changes on protein structure and function are either unavailable or do not agree on the potential impact of this missense change (SIFT: "Deleterious"; PolyPhen-2: "Probably Damaging"; Align-GVGD: "Class C0"). This variant has not been reported in the literature in individuals affected with ATP2A1-related conditions. This variant is present in population databases (rs754020765, gnomAD 0.006%). This sequence change replaces arginine, which is basic and polar, with cysteine, which is neutral and slightly polar, at codon 836 of the ATP2A1 protein (p.Arg836Cys).

Revvity Omics, Revvity
Classification: Uncertain significance for Brody myopathy. Last evaluated: 2019-10-22. Review status: criteria provided, single submitter. Criteria: ACMG Guidelines, 2015. Collection method: clinical testing. Allele origin: germline.